The following is an entry in ClinVar:

ClinVar aggregate classification (germline): Pathogenic. Review status: criteria provided, multiple submitters, no conflicts (2 of 4 stars). 4 submissions from 4 submitters: Pathogenic (4). Last evaluated 2025-12-31.

Conditions:
BAP1-related disorder. Also called: BAP1-related condition.
Hereditary cancer-predisposing syndrome. Also called: Neoplastic Syndromes, Hereditary; Hereditary Cancer Syndrome; Tumor predisposition; Hereditary neoplastic syndrome. Identifiers: Orphanet 140162, MedGen C0027672, MeSH D009386, MONDO:0015356.
BAP1-related tumor predisposition syndrome (TPDS1). Also called: BAP1 tumor predisposition syndrome; Tumor susceptibility linked to germline BAP1 mutations; TUMOR PREDISPOSITION SYNDROME 1; COMMON Syndrome. Identifiers: Orphanet 289539, MedGen C3280492, MONDO:0013692, OMIM 614327.

Submissions (4):

PreventionGenetics, part of Exact Sciences
Classification: Pathogenic for BAP1-related condition. Last evaluated: 2025-12-31. Review status: criteria provided, single submitter. Criteria: ACMG Guidelines, 2015. Collection method: clinical testing. Allele origin: germline.
Comment: The BAP1 c.1169dupC variant is predicted to result in a frameshift and premature protein termination (p.Pro391Thrfs*7). This variant has not been reported in the literature in individuals affected with BAP1-related conditions. This variant has not been reported in a large population database (gnomAD), indicating this variant is rare. This variant is interpreted as pathogenic in ClinVar (Variation ID: 818479). Frameshift variants in BAP1 are expected to be pathogenic. This variant is interpreted as pathogenic.

Ambry Genetics
Classification: Pathogenic for Hereditary cancer-predisposing syndrome. Last evaluated: 2025-07-31. Review status: criteria provided, single submitter. Criteria: Ambry Variant Classification Scheme 2023. Collection method: clinical testing. Allele origin: germline.
Comment: The c.1169dupC pathogenic mutation, located in coding exon 12 of the BAP1 gene, results from a duplication of C at nucleotide position 1169, causing a translational frameshift with a predicted alternate stop codon (p.P391Tfs*7). This variant is considered to be rare based on population cohorts in the Genome Aggregation Database (gnomAD). This alteration is expected to result in loss of function by premature protein truncation or nonsense-mediated mRNA decay. As such, this alteration is interpreted as a disease-causing mutation.

Labcorp Genetics (formerly Invitae), Labcorp
Classification: Pathogenic for BAP1-related tumor predisposition syndrome. Last evaluated: 2024-11-05. Review status: criteria provided, single submitter. Criteria: Invitae Variant Classification Sherloc (09022015). Collection method: clinical testing. Allele origin: germline.
Comment: This sequence change creates a premature translational stop signal (p.Pro391Thrfs*7) in the BAP1 gene. It is expected to result in an absent or disrupted protein product. Loss-of-function variants in BAP1 are known to be pathogenic (PMID: 21874000, 23684012). This variant is not present in population databases (gnomAD no frequency). This variant has not been reported in the literature in individuals affected with BAP1-related conditions. ClinVar contains an entry for this variant (Variation ID: 818479). For these reasons, this variant has been classified as Pathogenic.

Myriad Genetics, Inc.
Classification: Pathogenic for BAP1-related tumor predisposition syndrome. Last evaluated: 2023-10-31. Review status: criteria provided, single submitter. Criteria: Myriad Autosomal Dominant, Autosomal Recessive and X-Linked Classification Criteria (2023). Collection method: clinical testing. Allele origin: unknown.
Comment: This variant is considered pathogenic. This variant creates a frameshift predicted to result in premature protein truncation.

Literature cited by the submitters: PubMed 21874000 (cited by Labcorp Genetics (formerly Invitae), Labcorp); PubMed 23684012 (cited by Labcorp Genetics (formerly Invitae), Labcorp).

NM_004656.4(BAP1):c.1169dup (p.Pro391fs)

Gene: BAP1 (BRCA1 associated deubiquitinase 1; minus strand). Cytogenetic location: 3p21.1.
Variant type: Duplication.
Coding change: c.1169dup on transcript NM_004656.4 (MANE Select); coding-DNA position 1169, one base duplicated (C; older notation c.1169dupC).
Protein change: p.Pro391fs; shifts the reading frame from proline 391.
Molecular consequence: frameshift variant.
Genome position (GRCh38, 1-based): chr3:52,404,534, G duplicated on the plus strand (C on the coding strand, the reverse complement: BAP1 is on the minus strand); the first of 3 consecutive G bases (chr3:52,404,534-52,404,536); duplicating any one gives the same sequence. VCF-style (leftmost placement, unchanged base first): chr3-52404533-T-TG. GRCh37 (hg19) VCF-style: chr3-52438549-T-TG.
Other names: c.1169dupC (NM_004656.3); short protein forms P391fs.
Identifiers: ClinVar variation 818479 (VCV000818479.13), dbSNP rs1578222261, ClinGen allele CA915942493.